The following is an entry in ClinVar:

NM_001127453.2(GSDME):c.1429T>G (p.Phe477Val)

Gene: GSDME (gasdermin E; minus strand). Cytogenetic location: 7p15.3.
Variant type: single nucleotide variant.
Coding change: c.1429T>G on transcript NM_001127453.2 (MANE Select); coding-DNA position 1429, T replaced by G.
Protein change: p.Phe477Val; replaces phenylalanine 477 with valine.
Molecular consequence: missense variant.
Genome position (GRCh38, 1-based): chr7:24,699,088, A>C on the plus strand (T>G on the coding strand, the complement: GSDME is on the minus strand). VCF-style: chr7-24699088-A-C. GRCh37 (hg19) VCF-style: chr7-24738707-A-C.
Other names: c.937T>G, p.Phe313Val (NM_001127454.2); c.1429T>G, p.Phe477Val (NM_004403.3); c.1429T>G (NM_004403.2); short protein forms F313V, F477V.
Identifiers: ClinVar variation 998480 (VCV000998480.9), dbSNP rs1350016729, ClinGen allele CA367044204.

ClinVar aggregate classification (germline): Uncertain significance. Review status: criteria provided, multiple submitters, no conflicts (2 of 4 stars). 2 submissions from 2 submitters: Uncertain significance (2). Last evaluated 2025-01-30.

Conditions:
Inborn genetic diseases. Identifiers: MedGen C0950123, MeSH D030342.

Allele frequency attached by ClinVar (database versions not stated): gnomAD exomes below 0.00001; TOPMed below 0.00001; gnomAD 0.00001.
gnomAD v4.1: 2 of 1,614,076 alleles (0.00012%); highest among the groups gnomAD compares: Non-Finnish European, 0.00017%; no homozygotes.

Submissions (2):

Ambry Genetics
Classification: Uncertain significance for Inborn genetic diseases. Last evaluated: 2025-01-30. Review status: criteria provided, single submitter. Criteria: Ambry Variant Classification Scheme 2023. Collection method: clinical testing. Allele origin: germline.

Labcorp Genetics (formerly Invitae), Labcorp
Classification: Uncertain significance. Last evaluated: 2020-05-04. Review status: criteria provided, single submitter. Criteria: Invitae Variant Classification Sherloc (09022015). Collection method: clinical testing. Allele origin: germline.
Comment: This sequence change replaces phenylalanine with valine at codon 477 of the DFNA5 protein (p.Phe477Val). The phenylalanine residue is moderately conserved and there is a small physicochemical difference between phenylalanine and valine. This variant is not present in population databases (ExAC no frequency). This variant has not been reported in the literature in individuals with DFNA5-related conditions. Algorithms developed to predict the effect of missense changes on protein structure and function are either unavailable or do not agree on the potential impact of this missense change (SIFT: "Deleterious"; PolyPhen-2: "Benign"; Align-GVGD: "Class C0"). In summary, the available evidence is currently insufficient to determine the role of this variant in disease. Therefore, it has been classified as a Variant of Uncertain Significance.